The following is an entry in ClinVar:

NM_004004.6(GJB2):c.102G>A (p.Met34Ile)

Gene: GJB2 (gap junction protein beta 2; minus strand). Cytogenetic location: 13q12.11.
Variant type: single nucleotide variant.
Coding change: c.102G>A on transcript NM_004004.6 (MANE Select); coding-DNA position 102, G replaced by A.
Protein change: p.Met34Ile; replaces methionine 34 with isoleucine.
Molecular consequence: missense variant.
Genome position (GRCh38, 1-based): chr13:20,189,480, C>T on the plus strand (G>A on the coding strand, the complement: GJB2 is on the minus strand). VCF-style: chr13-20189480-C-T. GRCh37 (hg19) VCF-style: chr13-20763619-C-T.
Other names: short protein forms M34I.
Identifiers: ClinVar variation 5004932 (VCV005004932.1).

ClinVar aggregate classification (germline): Uncertain significance (1 of 4 stars; one submission).

Conditions:
Nonsyndromic genetic hearing loss. Also called: Nonsyndromic genetic deafness; Nonsyndromic hearing loss and deafness; Non-syndromic genetic deafness. Identifiers: Orphanet 87884, MedGen C5680182, MONDO:0019497.

Submission:

Myriad Genetics, Inc.
Classification: Uncertain significance for Nonsyndromic genetic hearing loss. Last evaluated: 2026-06-24. Review status: criteria provided, single submitter. Criteria: Myriad Autosomal Dominant, Autosomal Recessive and X-Linked Classification Criteria (2023). Collection method: clinical testing. Allele origin: unknown.
Comment: NM_004004.5(GJB2):c.102G>A(M34I) is a missense variant classified as a variant of uncertain significance in the context of nonsyndromic hearing loss, GJB2-related. M34I has been observed in cases with relevant disease (PMID: 31952308, 39843441). Relevant functional assessments of this variant are not available in the literature. Internal structural analysis of the variant is supportive of pathogenicity. M34I has not been observed in referenced population frequency databases. In summary, there is insufficient evidence to classify NM_004004.5(GJB2):c.102G>A(M34I) as pathogenic or benign. Please note: this variant was assessed in the context of healthy population screening.

Literature cited by the submitters: PubMed 31952308; PubMed 39843441.